The following is an entry in ClinVar:

NM_000222.3(KIT):c.2209G>A (p.Asp737Asn)

Gene: KIT (KIT proto-oncogene, receptor tyrosine kinase; plus strand). Cytogenetic location: 4q12.
Variant type: single nucleotide variant.
Coding change: c.2209G>A on transcript NM_000222.3 (MANE Select); coding-DNA position 2209, G replaced by A.
Protein change: p.Asp737Asn; replaces aspartic acid 737 with asparagine.
Molecular consequence: missense variant.
Genome position (GRCh38, 1-based): chr4:54,731,395, G>A. VCF-style: chr4-54731395-G-A. GRCh37 (hg19) VCF-style: chr4-55597561-G-A.
Other names: c.2197G>A, p.Asp733Asn (NM_001093772.2, NM_001385292.1); c.2212G>A, p.Asp738Asn (NM_001385284.1); c.2206G>A, p.Asp736Asn (NM_001385285.1); c.2194G>A, p.Asp732Asn (NM_001385286.1); c.2200G>A, p.Asp734Asn (NM_001385288.1); c.2209G>A, p.Asp737Asn (NM_001385290.1); short protein forms D737N, D733N, D732N, D734N, D736N, D738N.
Identifiers: ClinVar variation 237256 (VCV000237256.11), dbSNP rs751005114, ClinGen allele CA2923678.
Genomic context (GRCh38, chr4:54,731,395, plus strand): 5'-AGTACTAATGAGTACATGGACATGAAACCTGGAGTTTCTTATGTTGTCCCAACCAAGGCC[G>A]ACAAAAGGAGATCTGTGAGAATAGGTGAGTACCTACCTATCAAGCAACCAAGAGTAACTT-3'
Protein context (NP_000213.1, residues 727-747): GVSYVVPTKA[Asp737Asn]KRRSVRIGSY

ClinVar aggregate classification (germline): Uncertain significance. Review status: criteria provided, multiple submitters, no conflicts (2 of 4 stars). 2 submissions from 2 submitters: Uncertain significance (2). Last evaluated 2026-01-26.

Conditions:
Hereditary cancer-predisposing syndrome. Also called: Neoplastic Syndromes, Hereditary; Hereditary neoplastic syndrome; Hereditary Cancer Syndrome; Tumor predisposition. Identifiers: Orphanet 140162, MedGen C0027672, MeSH D009386, MONDO:0015356.
Gastrointestinal stromal tumor. Also called: Gastrointestinal stromal tumor, somatic; Gastrointestinal stroma tumor. Identifiers: Orphanet 44890, MedGen C0238198, MeSH D046152, MONDO:0011719, OMIM 606764, HP:0100723.

Allele frequency attached by ClinVar (database versions not stated): gnomAD exomes 0.00001; TOPMed 0.00001; ExAC 0.00001; gnomAD 0.00001.
gnomAD v4.1: 9 of 1,612,624 alleles (0.00056%); highest among the groups gnomAD compares: South Asian, 0.0044%; no homozygotes.

Submissions (2):

Labcorp Genetics (formerly Invitae), Labcorp
Classification: Uncertain significance for Gastrointestinal stromal tumor. Last evaluated: 2026-01-26. Review status: criteria provided, single submitter. Criteria: Invitae Variant Classification Sherloc (09022015). Collection method: clinical testing. Allele origin: germline.
Comment: This sequence change replaces aspartic acid, which is acidic and polar, with asparagine, which is neutral and polar, at codon 737 of the KIT protein (p.Asp737Asn). This variant is present in population databases (rs751005114, gnomAD 0.008%). This variant has not been reported in the literature in individuals affected with KIT-related conditions. ClinVar contains an entry for this variant (Variation ID: 237256). An algorithm developed to predict the effect of missense changes on protein structure and function (PolyPhen-2) suggests that this variant is likely to be disruptive. In summary, the available evidence is currently insufficient to determine the role of this variant in disease. Therefore, it has been classified as a Variant of Uncertain Significance.

Ambry Genetics
Classification: Uncertain significance for Hereditary cancer-predisposing syndrome. Last evaluated: 2025-02-05. Review status: criteria provided, single submitter. Criteria: Ambry Variant Classification Scheme 2023. Collection method: clinical testing. Allele origin: germline.
Comment: The p.D737N variant (also known as c.2209G>A), located in coding exon 15 of the KIT gene, results from a G to A substitution at nucleotide position 2209. The aspartic acid at codon 737 is replaced by asparagine, an amino acid with highly similar properties. This amino acid position is not well conserved in available vertebrate species. In addition, this alteration is predicted to be tolerated by in silico analysis. Based on the available evidence, the clinical significance of this variant remains unclear.